The following is an entry in ClinVar:

ClinVar aggregate classification (germline): Uncertain significance. Review status: criteria provided, multiple submitters, no conflicts (2 of 4 stars). 2 submissions from 2 submitters: Uncertain significance (2). Last evaluated 2025-08-29.

Conditions:
Chédiak-Higashi syndrome (CHS). Also called: Chediak-Higashi Syndrome. Identifiers: Orphanet 167, MedGen C0007965, MONDO:0008963, OMIM 214500.
Inborn genetic diseases. Identifiers: MedGen C0950123, MeSH D030342.

Allele frequency attached by ClinVar (database versions not stated): ExAC 0.00001; gnomAD 0.00002.
gnomAD v4.1: 12 of 1,613,854 alleles (0.00074%); highest among the groups gnomAD compares: Middle Eastern, 0.049%; 1 homozygote.

Submissions (2):

Ambry Genetics
Classification: Uncertain significance for Inborn genetic diseases. Last evaluated: 2025-08-29. Review status: criteria provided, single submitter. Criteria: Ambry Variant Classification Scheme 2023. Collection method: clinical testing. Allele origin: germline.

Labcorp Genetics (formerly Invitae), Labcorp
Classification: Uncertain significance for Chédiak-Higashi syndrome. Last evaluated: 2022-05-17. Review status: criteria provided, single submitter. Criteria: Invitae Variant Classification Sherloc (09022015). Collection method: clinical testing. Allele origin: germline.
Comment: This sequence change replaces alanine, which is neutral and non-polar, with serine, which is neutral and polar, at codon 603 of the LYST protein (p.Ala603Ser). This variant is present in population databases (rs757381951, gnomAD 0.003%). This variant has not been reported in the literature in individuals affected with LYST-related conditions. Algorithms developed to predict the effect of missense changes on protein structure and function (SIFT, PolyPhen-2, Align-GVGD) all suggest that this variant is likely to be tolerated. In summary, the available evidence is currently insufficient to determine the role of this variant in disease. Therefore, it has been classified as a Variant of Uncertain Significance.

NM_000081.4(LYST):c.1807G>T (p.Ala603Ser)

Gene: LYST (lysosomal trafficking regulator; minus strand). Cytogenetic location: 1q42.3.
Variant type: single nucleotide variant.
Coding change: c.1807G>T on transcript NM_000081.4 (MANE Select); coding-DNA position 1807, G replaced by T.
Protein change: p.Ala603Ser; replaces alanine 603 with serine.
Molecular consequence: missense variant.
Genome position (GRCh38, 1-based): chr1:235,809,011, C>A on the plus strand (G>T on the coding strand, the complement: LYST is on the minus strand). VCF-style: chr1-235809011-C-A. GRCh37 (hg19) VCF-style: chr1-235972311-C-A.
Other names: c.1807G>T, p.Ala603Ser (NM_001301365.1); c.1807G>T (NM_000081.2); short protein forms A603S.
Identifiers: ClinVar variation 2083257 (VCV002083257.2), dbSNP rs757381951, ClinGen allele CA1467398.
Genomic context (GRCh38, chr1:235,809,011, plus strand): 5'-ACTGATCCAAAATAAGTTTGTTAAGGATATTCAATATATGCTGCTGAAAATTTTTCAGTG[C>A]TGGCAATTTAAAAGCATGGAGCAAAGGAATGATTACAGATTTGGGATCCATACAACAGCA-3'
Protein context (NP_000072.2, residues 593-613): IPLLHAFKLP[Ala603Ser]LKNFQQHILN